The following is an entry in ClinVar:

NM_001161352.2(KCNMA1):c.3579C>T (p.Ser1193=)

Gene: KCNMA1 (potassium calcium-activated channel subfamily M alpha 1; minus strand). Cytogenetic location: 10q22.3.
Variant type: single nucleotide variant.
Coding change: c.3579C>T on transcript NM_001161352.2 (MANE Select); coding-DNA position 3579, C replaced by T.
Protein change: p.Ser1193=; no amino-acid change (serine 1193 retained).
Molecular consequence: synonymous variant.
Genome position (GRCh38, 1-based): chr10:76,887,398, G>A on the plus strand (C>T on the coding strand, the complement: KCNMA1 is on the minus strand). VCF-style: chr10-76887398-G-A. GRCh37 (hg19) VCF-style: chr10-78647156-G-A.
Other names: c.3417C>T, p.Ser1139= (NM_001014797.3); c.3528C>T, p.Ser1176= (NM_001161353.2); c.3255C>T, p.Ser1085= (NM_001271518.2); c.3495C>T, p.Ser1165= (NM_001271519.2); c.3414C>T, p.Ser1138= (NM_001322829.2, NM_001322836.2); c.3507C>T, p.Ser1169= (NM_001322830.2); c.3405C>T, p.Ser1135= (NM_001322832.2, NM_001410940.1, NM_002247.4); c.3498C>T, p.Ser1166= (NM_001322835.2, NM_001322837.2); and 1 more.
Identifiers: ClinVar variation 2640612 (VCV002640612.24), dbSNP rs2548008201, ClinGen allele CA470504247.

ClinVar aggregate classification (germline): Likely benign (1 of 4 stars; one submission).

Submission:

CeGaT Center for Human Genetics Tuebingen
Classification: Likely benign. Last evaluated: 2023-06-01. Review status: criteria provided, single submitter. Criteria: CeGaT Center For Human Genetics Tuebingen Variant Classification Criteria Version 2. Collection method: clinical testing. Allele origin: germline. Affected: yes. Observed: 1 variant allele.
Comment: KCNMA1: PM2:Supporting, BP4, BP7